The following is an entry in ClinVar:

ClinVar aggregate classification (germline): Uncertain significance (1 of 4 stars; one submission).

Submission:

GeneDx
Classification: Uncertain significance. Last evaluated: 2024-12-31. Review status: criteria provided, single submitter. Criteria: GeneDx Variant Classification Process June 2021. Collection method: clinical testing. Allele origin: germline.
Comment: Not observed at significant frequency in large population cohorts (gnomAD); In silico analysis supports that this missense variant has a deleterious effect on protein structure/function; Has not been previously published as pathogenic or benign to our knowledge

NM_001202.6(BMP4):c.248T>G (p.Met83Arg)

Gene: BMP4 (bone morphogenetic protein 4; minus strand). Cytogenetic location: 14q22.2.
Variant type: single nucleotide variant.
Coding change: c.248T>G on transcript NM_001202.6 (MANE Select); coding-DNA position 248, T replaced by G.
Protein change: p.Met83Arg; replaces methionine 83 with arginine.
Molecular consequence: missense variant.
Genome position (GRCh38, 1-based): chr14:53,951,975, A>C on the plus strand (T>G on the coding strand, the complement: BMP4 is on the minus strand). VCF-style: chr14-53951975-A-C. GRCh37 (hg19) VCF-style: chr14-54418693-A-C.
Other names: c.389T>G, p.Met130Arg (NM_001347912.1); c.59T>G, p.Met20Arg (NM_001347913.2, NM_001347915.2, NM_001347917.1); c.248T>G, p.Met83Arg (NM_001347914.2, NM_001347916.1, NM_130850.5 and 1 more transcripts); short protein forms M130R, M20R, M83R.
Identifiers: ClinVar variation 3365210 (VCV003365210.2).